The following is an entry in ClinVar:

ClinVar aggregate classification (germline): Pathogenic. Review status: criteria provided, single submitter (1 of 4 stars). 2 submissions from 2 submitters: Pathogenic (1). 1 of the submissions does not count toward it. Last evaluated 2020-08-28.

Conditions:
Familial long QT syndrome (RWS). Also called: Congenital long QT syndrome; Romano-Ward syndrome; VENTRICULAR FIBRILLATION WITH PROLONGED QT INTERVAL. Identifiers: Orphanet 768, MedGen C1141890, MONDO:0019171.
Andersen Tawil syndrome (LQT7). Also called: ANDERSEN CARDIODYSRHYTHMIC PERIODIC PARALYSIS; Andersen Syndrome; Potassium-sensitive periodic paralysis, ventricular ectopy, and dysmorphic features; LONG QT SYNDROME 7; PERIODIC PARALYSIS, POTASSIUM-SENSITIVE CARDIODYSRHYTHMIC TYPE. Identifiers: Orphanet 37553, MedGen C1563715, MONDO:0008222, OMIM 170390.

Submissions (2):

MVZ Martinsried, Medicover Genetics
Classification: Pathogenic for Andersen Tawil syndrome. Last evaluated: 2020-08-28. Review status: criteria provided, single submitter. Criteria: ACGS Guidelines, 2020. Collection method: clinical testing. Allele origin: unknown. Affected: yes.

Cardiovascular Biomedical Research Unit, Royal Brompton & Harefield NHS Foundation Trust
No classification provided. Condition: Familial long QT syndrome. Review status: no classification provided. Collection method: literature only. Allele origin: germline. Not counted in ClinVar's aggregate classification.
Comment: This variant has been reported in the following publications (PMID:12045162;PMID:17221872;PMID:17399643;PMID:22286118).

Literature cited by the submitters: PubMed 12045162 (cited by Cardiovascular Biomedical Research Unit, Royal Brompton & Harefield NHS Foundation Trust); PubMed 17221872 (cited by Cardiovascular Biomedical Research Unit, Royal Brompton & Harefield NHS Foundation Trust); PubMed 17399643 (cited by Cardiovascular Biomedical Research Unit, Royal Brompton & Harefield NHS Foundation Trust); PubMed 22286118 (cited by Cardiovascular Biomedical Research Unit, Royal Brompton & Harefield NHS Foundation Trust); PubMed 22581653 (cited by Cardiovascular Biomedical Research Unit, Royal Brompton & Harefield NHS Foundation Trust).

NM_000891.3(KCNJ2):c.574A>G (p.Thr192Ala)

Gene: KCNJ2 (potassium inwardly rectifying channel subfamily J member 2; plus strand). Cytogenetic location: 17q24.3.
Variant type: single nucleotide variant.
Coding change: c.574A>G on transcript NM_000891.3 (MANE Select); coding-DNA position 574, A replaced by G.
Protein change: p.Thr192Ala; replaces threonine 192 with alanine.
Molecular consequence: missense variant.
Genome position (GRCh38, 1-based): chr17:70,175,613, A>G. VCF-style: chr17-70175613-A-G. GRCh37 (hg19) VCF-style: chr17-68171754-A-G.
Other names: c.574A>G (LRG_328t1); short protein forms T192A.
Identifiers: ClinVar variation 67581 (VCV000067581.2), dbSNP rs199473382, ClinGen allele CA329687.